The following is an entry in ClinVar:

NM_000368.5(TSC1):c.2321_2330del (p.Lys774fs)

Gene: TSC1 (TSC complex subunit 1; minus strand). Cytogenetic location: 9q34.13.
Variant type: Deletion.
Coding change: c.2321_2330del on transcript NM_000368.5 (MANE Select); coding-DNA positions 2321 to 2330, 10 bases deleted (AGCTCCACAG; older notation c.2321_2330delAGCTCCACAG).
Protein change: p.Lys774fs; shifts the reading frame from lysine 774.
Molecular consequence: frameshift variant.
Genome position (GRCh38, 1-based): chr9:132,902,666-132,902,675, CTGTGGAGCT deleted on the plus strand (AGCTCCACAG on the coding strand, the reverse complement: TSC1 is on the minus strand). VCF-style (leftmost placement, unchanged base first): chr9-132902665-GCTGTGGAGCT-G. GRCh37 (hg19) VCF-style: chr9-135778052-GCTGTGGAGCT-G.
Other names: c.2318_2327del, p.Lys773fs (NM_001162426.2); c.2168_2177del, p.Lys723fs (NM_001162427.2); c.1958_1967del, p.Lys653fs (NM_001362177.2); short protein forms K653fs, K773fs, K774fs, K723fs.
Identifiers: ClinVar variation 931562 (VCV000931562.3), dbSNP rs1845446236, ClinGen allele CA1139661268.

ClinVar aggregate classification (germline): Pathogenic (1 of 4 stars; one submission).

Conditions:
Lymphangiomyomatosis (LAM). Also called: Lymphangioleiomyomatosis; Lymphangioleiomyomatosis, somatic. Identifiers: Orphanet 538, MedGen C0751674, MONDO:0011705, OMIM 606690.

Submission:

Centre for Mendelian Genomics, University Medical Centre Ljubljana
Classification: Pathogenic for Lymphangiomyomatosis. Last evaluated: 2019-05-17. Review status: criteria provided, single submitter. Criteria: ACMG Guidelines, 2015. Collection method: clinical testing. Allele origin: unknown. Affected: yes.
Comment: This variant was classified as: Pathogenic. The following ACMG criteria were applied in classifying this variant: PVS1,PM2,PP4.